The following is an entry in ClinVar:

ClinVar aggregate classification (germline): Uncertain significance (1 of 4 stars; one submission).

Conditions:
Malignant hyperthermia, susceptibility to, 5 (MHS5). Also called: CACNA1S-Related Malignant Hyperthermia Susceptibility. Identifiers: Orphanet 423, MedGen C1866077, MONDO:0011163, OMIM 601887.

gnomAD v4.1: 1 of 1,614,266 alleles (0.000062%); highest among the groups gnomAD compares: Non-Finnish European, 0.000085%; no homozygotes.

Submission:

All of Us Research Program, National Institutes of Health
Classification: Uncertain significance for Malignant hyperthermia, susceptibility to, 5. Last evaluated: 2023-06-26. Review status: criteria provided, single submitter. Criteria: ACMG Guidelines, 2015. Collection method: clinical testing. Allele origin: germline. Inheritance: Autosomal dominant inheritance. Observed: 1 variant allele, 1 heterozygote.
Comment: This missense variant replaces isoleucine with methionine at codon 57 of the CACNA1S protein. Computational prediction is inconclusive regarding the impact of this variant on protein structure and function (internally defined REVEL score threshold 0.5 < inconclusive < 0.7, PMID: 27666373). To our knowledge, functional studies have not been reported for this variant. This variant has not been reported in individuals affected with CACNA1S-related disorders in the literature. This variant has been identified in 1/251466 chromosomes in the general population by the Genome Aggregation Database (gnomAD). The available evidence is insufficient to determine the role of this variant in disease conclusively. Therefore, this variant is classified as a Variant of Uncertain Significance.

This study involves interpretation of variants in research participants for the purpose of population health screening. Participant phenotype was not available at the time of variant classification. Additional details can be found in publication PMID: 35346344, PMCID: PMC8962531

NM_000069.3(CACNA1S):c.171C>G (p.Ile57Met)

Gene: CACNA1S (calcium voltage-gated channel subunit alpha1 S; minus strand). Cytogenetic location: 1q32.1.
Variant type: single nucleotide variant.
Coding change: c.171C>G on transcript NM_000069.3 (MANE Select); coding-DNA position 171, C replaced by G.
Protein change: p.Ile57Met; replaces isoleucine 57 with methionine.
Molecular consequence: missense variant.
Genome position (GRCh38, 1-based): chr1:201,110,251, G>C on the plus strand (C>G on the coding strand, the complement: CACNA1S is on the minus strand). VCF-style: chr1-201110251-G-C. GRCh37 (hg19) VCF-style: chr1-201079379-G-C.
Other names: short protein forms I57M.
Identifiers: ClinVar variation 3072150 (VCV003072150.1), dbSNP rs1558090893, ClinGen allele CA344156213.